The following is an entry in ClinVar:

NM_007194.4(CHEK2):c.908+32T>G

Gene: CHEK2 (checkpoint kinase 2; minus strand). Cytogenetic location: 22q12.1.
Variant type: single nucleotide variant.
Coding change: c.908+32T>G on transcript NM_007194.4 (MANE Select); 32 bases into the intron after coding-DNA position 908, T replaced by G.
Molecular consequence: intron variant.
Genome position (GRCh38, 1-based): chr22:28,703,473, A>C on the plus strand (T>G on the coding strand, the complement: CHEK2 is on the minus strand). VCF-style: chr22-28703473-A-C. GRCh37 (hg19) VCF-style: chr22-29099461-A-C.
Other names: c.245+32T>G (NM_001437942.1, NM_001257387.3); c.707+32T>G (NM_001349956.3); c.908+32T>G (NM_145862.3); c.1001+32T>G (NM_001438295.1, NM_001438293.1); c.1037+32T>G (NM_001438294.1, NM_001005735.3).
Identifiers: ClinVar variation 4073511 (VCV004073511.1).

ClinVar aggregate classification (germline): Benign (1 of 4 stars; one submission).

Conditions:
Breast-ovarian cancer, familial, susceptibility to, 2 (BROVCA2). Also called: BRCA2 Hereditary Breast and Ovarian Cancer. Identifiers: Orphanet 145, MedGen C2675520, MONDO:0012933, OMIM 612555. Disease mechanism: loss of function.

gnomAD v4.1: 1 of 1,148,602 alleles (0.000087%); highest among the groups gnomAD compares: Non-Finnish European, 0.00013%; no homozygotes.

Submission:

Dipartimento Di Medicina Di Precisione, Università Degli Studi Della Campania Luigi Vanvitelli
Classification: Benign for Breast-ovarian cancer, familial, susceptibility to, 2. Last evaluated: 2025-07-18. Review status: criteria provided, single submitter. Criteria: ACMG Guidelines, 2015. Collection method: clinical testing. Allele origin: germline. Affected: yes. Observed: 1 heterozygote.
Comment: The CHEK2 c.908+32T>G variant is located in intron 8, 32 nucleotides downstream of the exon 8 splice donor site. It lies in a non-conserved region, distant from the canonical splice site. In silico analysis using SpliceAI predicts no significant impact on splicing. Similarly, CADD provides a low score, not indicative of pathogenicity. Taken together, these findings support a likely benign classification.

Literature cited by the submitters: DOI 10.3390/ijms26135928.